The following is an entry in ClinVar:

ClinVar aggregate classification (germline): Likely benign. Review status: criteria provided, multiple submitters, no conflicts (2 of 4 stars). 3 submissions from 3 submitters: Likely benign (3). Last evaluated 2026-03-01.

Conditions:
Inborn genetic diseases. Identifiers: MedGen C0950123, MeSH D030342.

Submissions (3):

CeGaT Center for Human Genetics Tuebingen
Classification: Likely benign. Last evaluated: 2026-03-01. Review status: criteria provided, single submitter. Criteria: CeGaT Center For Human Genetics Tuebingen Variant Classification Criteria Version 2. Collection method: clinical testing. Allele origin: germline. Affected: yes. Observed: 4 variant alleles.
Comment: WDR26: BS1

Ambry Genetics
Classification: Likely benign for Inborn genetic diseases. Last evaluated: 2025-07-10. Review status: criteria provided, single submitter. Criteria: Ambry Variant Classification Scheme 2023. Collection method: clinical testing. Allele origin: germline.

Blueprint Genetics
Classification: Likely benign. Last evaluated: 2024-09-10. Review status: criteria provided, single submitter. Criteria: ACMG Guidelines, 2015. Collection method: clinical testing. Allele origin: germline.

NM_001379403.1(WDR26):c.339CGG[5] (p.Gly125_Gln126insGly)

Gene: WDR26 (WD repeat domain 26; minus strand). Cytogenetic location: 1q42.12.
Variant type: Microsatellite.
Coding change: c.339CGG[5] on transcript NM_001379403.1 (MANE Select); five copies in a row of the 3-base unit CGG starting at c.339; the reference has four copies in a row; one copy, 3 bases duplicated.
Protein change: p.Gly125_Gln126insGly.
Molecular consequence: inframe insertion.
Genome position (GRCh38, 1-based): chr1:224,434,056-224,434,058, CCG duplicated on the plus strand (CGG on the coding strand, the reverse complement: WDR26 is on the minus strand); duplicating any 3 consecutive bases within chr1:224,434,056-224,434,069 gives the same sequence; the position shown is the placement nearest the transcript's 3' end. VCF-style (leftmost placement, unchanged base first): chr1-224434055-A-ACCG. GRCh37 (hg19) VCF-style: chr1-224621757-A-ACCG.
Other names: c.39CGG[5], p.Gly25_Gln26insGly (NM_001115113.3, NM_025160.7); c.48_50dupCGG (NM_025160.6).
Identifiers: ClinVar variation 2639932 (VCV002639932.26), dbSNP rs746750261, ClinGen allele CA1415200.
Genomic context (GRCh38, chr1:224,434,055, plus strand): 5'-GGCCGACAAGCAGGCGAGTTCCGGGGTCTGTCCCTGGCCCCCGCCGCCCCCTCCTCCTCC[A>ACCG]CCGCCGCCGCCGCCACCTCCTCCTCCTCCTCCTGCCCCATTGGCCTGCATGATGCTGCCG-3'